The following is an entry in ClinVar:

NM_006329.4(FBLN5):c.-12C>T

Gene: FBLN5 (fibulin 5; minus strand). Cytogenetic location: 14q32.12.
Variant type: single nucleotide variant.
Coding change: c.-12C>T on transcript NM_006329.4 (MANE Select); 12 bases upstream of the start codon, C replaced by T.
Molecular consequence: 5 prime UTR variant.
Genome position (GRCh38, 1-based): chr14:91,947,241, G>A on the plus strand (C>T on the coding strand, the complement: FBLN5 is on the minus strand). VCF-style: chr14-91947241-G-A. GRCh37 (hg19) VCF-style: chr14-92413585-G-A.
Other names: c.-12C>T (NM_001384158.1, NM_001384160.1); c.-281C>T (NM_001384161.1, NM_001384162.1).
Identifiers: ClinVar variation 511853 (VCV000511853.1), dbSNP rs764484240, ClinGen allele CA7313006.
Genomic context (GRCh38, chr14:91,947,241, plus strand): 5'-GGAGAAAGAAAAGTCCAGCGCCGAGAACCCACCTTTTTATTCCTGGCATGTCCAAGACGC[G>A]CGAGGAGGAGATGCGAAGGCGAGAAGAAAGCTCGCGGGCGGGACCCCCGGAGGAGCTCGG-3'

ClinVar aggregate classification (germline): Likely benign (1 of 4 stars; one submission).

Allele frequency attached by ClinVar (database versions not stated): gnomAD exomes below 0.00001 and 0.00001; ExAC 0.00001.
gnomAD v4.1: 10 of 1,614,150 alleles (0.00062%); highest among the groups gnomAD compares: Non-Finnish European, 0.00085%; no homozygotes.

Submission:

GeneDx
Classification: Likely benign. Last evaluated: 2017-09-07. Review status: criteria provided, single submitter. Criteria: GeneDx Variant Classification (06012015). Collection method: clinical testing. Allele origin: germline. Affected: yes.
Comment: This variant is considered likely benign or benign based on one or more of the following criteria: it is a conservative change, it occurs at a poorly conserved position in the protein, it is predicted to be benign by multiple in silico algorithms, and/or has population frequency not consistent with disease.